The following is an entry in ClinVar:

NM_002225.5(IVD):c.546_547delinsT (p.Lys182fs)

Gene: IVD (isovaleryl-CoA dehydrogenase; plus strand). Cytogenetic location: 15q15.1.
Variant type: Indel.
Coding change: c.546_547delinsT on transcript NM_002225.5 (MANE Select); coding-DNA positions 546 to 547, GA replaced by T.
Protein change: p.Lys182fs; shifts the reading frame from lysine 182.
Molecular consequence: frameshift variant. On other transcripts: non-coding transcript variant (1).
Genome position (GRCh38, 1-based): chr15:40,411,349-40,411,350, GA replaced by T. VCF-style: chr15-40411349-GA-T. GRCh37 (hg19) VCF-style: chr15-40703548-GA-T.
Other names: c.456_457delinsT, p.Lys152fs (NM_001159508.3); c.498_499delinsT, p.Lys166fs (NM_001354597.3); c.546_547delinsT, p.Lys182fs (NM_001354598.3, NM_001354601.3); c.633_634delinsT, p.Lys211fs (NM_001354599.3, NM_001354600.3); short protein forms K152fs, K166fs, K182fs, K211fs.
Identifiers: ClinVar variation 1725362 (VCV001725362.2), dbSNP rs2542691558, ClinGen allele CA2580089368.

ClinVar aggregate classification (germline): Likely pathogenic (1 of 4 stars; one submission).

Conditions:
Isovaleryl-CoA dehydrogenase deficiency (IVA). Also called: ISOVALERIC ACID CoA DEHYDROGENASE DEFICIENCY; Classic Isovaleric Acidemia; Isovaleric acidemia; IVD DEFICIENCY. Identifiers: Orphanet 33, MedGen C0268575, MONDO:0009475, OMIM 243500.

Submission:

Myriad Genetics, Inc.
Classification: Likely pathogenic for Isovaleryl-CoA dehydrogenase deficiency. Last evaluated: 2022-03-17. Review status: criteria provided, single submitter. Criteria: Myriad Women's Health Autosomal Recessive and X-Linked Classification Criteria (2021). Collection method: clinical testing. Allele origin: unknown.
Comment: NM_002225.3(IVD):c.555_556delGAinsT(K185Nfs*8) is expected to be pathogenic in the context of isovaleric acidemia. This variant is predicted to lead to an abnormal or absent protein product due to the creation of a premature termination codon in IVD, a gene where loss-of-function variants are known to be pathogenic. Please note: this variant was assessed in the context of healthy population screening.